The following is an entry in ClinVar:

ClinVar aggregate classification (germline): Uncertain significance (1 of 4 stars; one submission).

Conditions:
Glycogen storage disease type III (GSD3). Also called: FORBES DISEASE; Cori disease. Identifiers: Orphanet 366, MedGen C0017922, MONDO:0009291, OMIM 232400.

Submission:

Labcorp Genetics (formerly Invitae), Labcorp
Classification: Uncertain significance for Glycogen storage disease type III. Last evaluated: 2022-02-21. Review status: criteria provided, single submitter. Criteria: Invitae Variant Classification Sherloc (09022015). Collection method: clinical testing. Allele origin: germline.
Comment: In summary, the available evidence is currently insufficient to determine the role of this variant in disease. Therefore, it has been classified as a Variant of Uncertain Significance. Algorithms developed to predict the effect of missense changes on protein structure and function are either unavailable or do not agree on the potential impact of this missense change (SIFT: "Deleterious"; PolyPhen-2: "Possibly Damaging"; Align-GVGD: "Class C0"). This variant has not been reported in the literature in individuals affected with AGL-related conditions. This variant is not present in population databases (gnomAD no frequency). This sequence change replaces phenylalanine, which is neutral and non-polar, with leucine, which is neutral and non-polar, at codon 1007 of the AGL protein (p.Phe1007Leu).

NM_000642.3(AGL):c.3019T>C (p.Phe1007Leu)

Gene: AGL (amylo-alpha-1,6-glucosidase and 4-alpha-glucanotransferase; plus strand). Cytogenetic location: 1p21.2.
Variant type: single nucleotide variant.
Coding change: c.3019T>C on transcript NM_000642.3 (MANE Select); coding-DNA position 3019, T replaced by C.
Protein change: p.Phe1007Leu; replaces phenylalanine 1007 with leucine.
Molecular consequence: missense variant.
Genome position (GRCh38, 1-based): chr1:99,891,675, T>C. VCF-style: chr1-99891675-T-C. GRCh37 (hg19) VCF-style: chr1-100357231-T-C.
Other names: c.3019T>C, p.Phe1007Leu (NM_000028.3, NM_000643.3, NM_000644.3 and 1 more transcripts); c.2971T>C, p.Phe991Leu (NM_000646.3); c.2998T>C, p.Phe1000Leu (NM_001425326.1); c.2818T>C, p.Phe940Leu (NM_001425327.1); c.2815T>C, p.Phe939Leu (NM_001425328.1); c.2680T>C, p.Phe894Leu (NM_001425329.1); c.2641T>C, p.Phe881Leu (NM_001425332.1); short protein forms F991L, F1007L, F1000L, F881L, F894L, F939L, F940L.
Identifiers: ClinVar variation 2100818 (VCV002100818.4), dbSNP rs2524724536, ClinGen allele CA341326063.